The following is an entry in ClinVar:

ClinVar aggregate classification (germline): Pathogenic (1 of 4 stars; one submission).

Conditions:
Charcot-Marie-Tooth disease, type I (CMT1). Also called: Charcot-Marie-Tooth disease type 1; Charcot-Marie-Tooth, Type 1. Identifiers: Orphanet 65753, MedGen C0751036, MONDO:0019011.

Submission:

Labcorp Genetics (formerly Invitae), Labcorp
Classification: Pathogenic for Charcot-Marie-Tooth disease, type I. Last evaluated: 2016-11-06. Review status: criteria provided, single submitter. Criteria: Invitae Variant Classification Sherloc (09022015). Collection method: clinical testing. Allele origin: germline.
Comment: This sequence change inserts 4 nucleotides in exon 3 of the MPZ mRNA (c.380_383dupGTGA), causing a frameshift at codon 128. This creates a premature translational stop signal (p.Asp128Glufs*2) and is expected to result in an absent or disrupted protein product. While this particular variant has not been reported in the literature, loss-of-function variants in MPZ are known to be pathogenic (PMID: 14711881). For these reasons, this variant has been classified as Pathogenic.

Literature cited by the submitters: PubMed 14711881.

NM_000530.8(MPZ):c.380_383dup (p.Asp128delinsGluTer)

Gene: MPZ (myelin protein zero; minus strand). Cytogenetic location: 1q23.3.
Variant type: Duplication.
Coding change: c.380_383dup on transcript NM_000530.8 (MANE Select); coding-DNA positions 380 to 383, 4 bases duplicated (GTGA; older notation c.380_383dupGTGA).
Protein change: p.Asp128delinsGluTer.
Molecular consequence: nonsense.
Genome position (GRCh38, 1-based): chr1:161,306,773-161,306,776, TCAC duplicated on the plus strand (GTGA on the coding strand, the reverse complement: MPZ is on the minus strand). VCF-style (leftmost placement, unchanged base first): chr1-161306772-G-GTCAC. GRCh37 (hg19) VCF-style: chr1-161276562-G-GTCAC.
Other names: c.380_383dup (LRG_256t1); c.380_383dup, p.Asp128delinsGluTer (NM_001315491.2).
Identifiers: ClinVar variation 411659 (VCV000411659.6), dbSNP rs1553259651, ClinGen allele CA16609901.
Genomic context (GRCh38, chr1:161,306,772, plus strand): 5'-TTCAAAGACATACAGCGTGACCTGAGAGGTCTTGCCCACTATGTCTGGAGGGTTTTTGAC[G>GTCAC]TCACAAGTGAACGTGCCATTGTCACTGTAGTCTAGGTTGTGTATGACAATGGAGCCATCC-3'